The following is an entry in ClinVar:

NM_005677.4(COLQ):c.619G>A (p.Gly207Arg)

Gene: COLQ (collagen like tail subunit of asymmetric acetylcholinesterase; minus strand). Cytogenetic location: 3p25.1.
Variant type: single nucleotide variant.
Coding change: c.619G>A on transcript NM_005677.4 (MANE Select); coding-DNA position 619, G replaced by A.
Protein change: p.Gly207Arg; replaces glycine 207 with arginine.
Molecular consequence: missense variant.
Genome position (GRCh38, 1-based): chr3:15,474,017, C>T on the plus strand (G>A on the coding strand, the complement: COLQ is on the minus strand). VCF-style: chr3-15474017-C-T. GRCh37 (hg19) VCF-style: chr3-15515524-C-T.
Other names: c.589G>A, p.Gly197Arg (NM_080538.2); c.517G>A, p.Gly173Arg (NM_080539.4); short protein forms G173R, G197R, G207R.
Identifiers: ClinVar variation 1714827 (VCV001714827.5), dbSNP rs2470875148, ClinGen allele CA351598329.
Genomic context (GRCh38, chr3:15,474,017, plus strand): 5'-TATTTTTATTGAGGCCTATTTTCACTACCTCAAGGTTACTTACTTTCTGCCCCAACATTC[C>T]AGGAAATCCTGGGAAACCCTGTGAAAAGAGCAACAAATAATTGTGATCACCTCTGAAATA-3'
Protein context (NP_005668.2, residues 197-217): KGEKGFPGFP[Gly207Arg]MLGQKGEMGP

ClinVar aggregate classification (germline): Uncertain significance (1 of 4 stars; one submission).

Conditions:
Congenital myasthenic syndrome 5. Identifiers: Orphanet 590, MedGen C1864233, MONDO:0011281, OMIM 603034.

Submission:

Labcorp Genetics (formerly Invitae), Labcorp
Classification: Uncertain significance for Congenital myasthenic syndrome 5. Last evaluated: 2022-08-02. Review status: criteria provided, single submitter. Criteria: Invitae Variant Classification Sherloc (09022015). Collection method: clinical testing. Allele origin: germline.
Comment: This sequence change replaces glycine, which is neutral and non-polar, with arginine, which is basic and polar, at codon 207 of the COLQ protein (p.Gly207Arg). This variant is not present in population databases (gnomAD no frequency). This variant has not been reported in the literature in individuals affected with COLQ-related conditions. Algorithms developed to predict the effect of missense changes on protein structure and function are either unavailable or do not agree on the potential impact of this missense change (SIFT: "Deleterious"; PolyPhen-2: "Not Available"; Align-GVGD: "Class C65"). Algorithms developed to predict the effect of sequence changes on RNA splicing suggest that this variant may disrupt the consensus splice site. In summary, the available evidence is currently insufficient to determine the role of this variant in disease. Therefore, it has been classified as a Variant of Uncertain Significance.